The following is an entry in ClinVar:

NM_000548.5(TSC2):c.4495_4499del (p.Phe1499Valfs)

Gene: TSC2 (TSC complex subunit 2; plus strand). Cytogenetic location: 16p13.3.
Variant type: Deletion.
Coding change: c.4495_4499del on transcript NM_000548.5 (MANE Select); coding-DNA positions 4495 to 4499, 5 bases deleted (TTCGT; older notation c.4495_4499delTTCGT).
Protein change: p.Phe1499Valfs; shifts the reading frame from phenylalanine 1499.
Molecular consequence: splice acceptor variant.
Genome position (GRCh38, 1-based): chr16:2,084,952-2,084,956, TTCGT deleted; deleting any 5 consecutive bases within chr16:2,084,950-2,084,956 gives the same sequence; the c. name uses the placement nearest the transcript's 3' end. VCF-style (leftmost placement, unchanged base first): chr16-2084949-AGTTTC-A. GRCh37 (hg19) VCF-style: chr16-2134950-AGTTTC-A.
Identifiers: ClinVar variation 280758 (VCV000280758.1), dbSNP rs886041905, ClinGen allele CA10603367.

ClinVar aggregate classification (germline): Pathogenic (1 of 4 stars; one submission).

Submission:

GeneDx
Classification: Pathogenic. Last evaluated: 2016-07-22. Review status: criteria provided, single submitter. Criteria: GeneDx Variant Classification (06012015). Collection method: clinical testing. Allele origin: germline. Affected: yes.
Comment: The c.4495_4499delTTCGT pathogenic variant in the TSC2 gene causes a frameshift starting with codon Phenylalanine 1499, changes this amino acid to a Valine residue and creates a premature Stop codon at position 23 of the new reading frame, denoted p.F1499VfsX23. This variant is predicted to cause loss of normal protein function either through protein truncation or nonsense-mediated mRNA decay. It was not observed in approximately 6,500 individuals of European and African American ancestry in the NHLBI Exome Sequencing Project, indicating it is not a common benign variant in these populations.